The following is an entry in ClinVar:

NM_213599.3(ANO5):c.2062G>T (p.Ala688Ser)

Gene: ANO5 (anoctamin 5; plus strand). Cytogenetic location: 11p14.3.
Variant type: single nucleotide variant.
Coding change: c.2062G>T on transcript NM_213599.3 (MANE Select); coding-DNA position 2062, G replaced by T.
Protein change: p.Ala688Ser; replaces alanine 688 with serine.
Molecular consequence: missense variant.
Genome position (GRCh38, 1-based): chr11:22,272,816, G>T. VCF-style: chr11-22272816-G-T. GRCh37 (hg19) VCF-style: chr11-22294362-G-T.
Other names: c.2059G>T, p.Ala687Ser (NM_001142649.2); c.2020G>T, p.Ala674Ser (NM_001410963.1); c.2017G>T, p.Ala673Ser (NM_001410964.1); short protein forms A673S, A674S, A687S, A688S.
Identifiers: ClinVar variation 3753738 (VCV003753738.2).
Genomic context (GRCh38, chr11:22,272,816, plus strand): 5'-AGTTCATGCCTTTTTCTTTTCTCTACAGTTACTCAATTTGGATTTGTTACACTATTTGTG[G>T]CCTCTTTTCCTTTGGCTCCTCTTCTTGCTCTCATAAATAATATTGTAGAGATTCGAGTGG-3'
Protein context (NP_998764.1, residues 678-698): TQFGFVTLFV[Ala688Ser]SFPLAPLLAL

ClinVar aggregate classification (germline): Uncertain significance (1 of 4 stars; one submission).

Conditions:
Gnathodiaphyseal dysplasia (GDD). Also called: GNATHODIAPHYSEAL SCLEROSIS; OSTEOGENESIS IMPERFECTA WITH UNUSUAL SKELETAL LESIONS. Identifiers: Orphanet 53697, MedGen C1833736, MONDO:0008151, OMIM 166260.
Autosomal recessive limb-girdle muscular dystrophy type 2L (LGMDR12). Also called: Limb-girdle muscular dystrophy, type 2L; MUSCULAR DYSTROPHY, LIMB-GIRDLE, AUTOSOMAL RECESSIVE 12; Limb-Girdle Muscular Dystrophy R12 Anoctamin-5-Related (LGMD-R12). Identifiers: Orphanet 206549, MedGen C1969785, MONDO:0012652, OMIM 611307.

gnomAD v4.1: 1 of 1,613,940 alleles (0.000062%); highest among the groups gnomAD compares: Non-Finnish European, 0.000085%; no homozygotes.

Submission:

Labcorp Genetics (formerly Invitae), Labcorp
Classification: Uncertain significance for Autosomal recessive limb-girdle muscular dystrophy type 2L; Gnathodiaphyseal dysplasia. Last evaluated: 2025-01-20. Review status: criteria provided, single submitter. Criteria: Invitae Variant Classification Sherloc (09022015). Collection method: clinical testing. Allele origin: germline.
Comment: This sequence change replaces alanine, which is neutral and non-polar, with serine, which is neutral and polar, at codon 688 of the ANO5 protein (p.Ala688Ser). This variant is present in population databases (no rsID available, gnomAD 0.0009%). This variant has not been reported in the literature in individuals affected with ANO5-related conditions. Invitae Evidence Modeling of protein sequence and biophysical properties (such as structural, functional, and spatial information, amino acid conservation, physicochemical variation, residue mobility, and thermodynamic stability) has been performed for this missense variant. However, the output from this modeling did not meet the statistical confidence thresholds required to predict the impact of this variant on ANO5 protein function. Algorithms developed to predict the effect of sequence changes on RNA splicing suggest that this variant may create or strengthen a splice site. In summary, the available evidence is currently insufficient to determine the role of this variant in disease. Therefore, it has been classified as a Variant of Uncertain Significance.